The following is an entry in ClinVar:

ClinVar aggregate classification (germline): Uncertain significance (1 of 4 stars; one submission).

Submission:

Labcorp Genetics (formerly Invitae), Labcorp
Classification: Uncertain significance. Last evaluated: 2023-12-01. Review status: criteria provided, single submitter. Criteria: Invitae Variant Classification Sherloc (09022015). Collection method: clinical testing. Allele origin: germline.
Comment: This sequence change replaces glycine, which is neutral and non-polar, with serine, which is neutral and polar, at codon 448 of the RUNX2 protein (p.Gly448Ser). This variant is not present in population databases (gnomAD no frequency). This variant has not been reported in the literature in individuals affected with RUNX2-related conditions. Advanced modeling of protein sequence and biophysical properties (such as structural, functional, and spatial information, amino acid conservation, physicochemical variation, residue mobility, and thermodynamic stability) performed at Invitae indicates that this missense variant is not expected to disrupt RUNX2 protein function with a negative predictive value of 80%. In summary, the available evidence is currently insufficient to determine the role of this variant in disease. Therefore, it has been classified as a Variant of Uncertain Significance.

NM_001024630.4(RUNX2):c.1342G>A (p.Gly448Ser)

Gene: RUNX2 (RUNX family transcription factor 2; plus strand). Cytogenetic location: 6p21.1.
Variant type: single nucleotide variant.
Coding change: c.1342G>A on transcript NM_001024630.4 (MANE Select); coding-DNA position 1342, G replaced by A.
Protein change: p.Gly448Ser; replaces glycine 448 with serine.
Molecular consequence: missense variant.
Genome position (GRCh38, 1-based): chr6:45,547,081, G>A. VCF-style: chr6-45547081-G-A. GRCh37 (hg19) VCF-style: chr6-45514818-G-A.
Other names: c.1276G>A, p.Gly426Ser (NM_001015051.4); c.1234G>A, p.Gly412Ser (NM_001278478.2); c.1300G>A, p.Gly434Ser (NM_001369405.1, NM_004348.3); short protein forms G412S, G426S, G434S, G448S.
Identifiers: ClinVar variation 2770009 (VCV002770009.3), dbSNP rs1384517929, ClinGen allele CA363957022.